The following is an entry in ClinVar:

NM_014500.5(HTATSF1):c.2189T>C (p.Phe730Ser)

Gene: HTATSF1 (HIV-1 Tat specific factor 1; plus strand). Cytogenetic location: Xq26.3.
Variant type: single nucleotide variant.
Coding change: c.2189T>C on transcript NM_014500.5 (MANE Select); coding-DNA position 2189, T replaced by C.
Protein change: p.Phe730Ser; replaces phenylalanine 730 with serine.
Molecular consequence: missense variant.
Genome position (GRCh38, 1-based): chrX:136,511,934, T>C. VCF-style: chrX-136511934-T-C. GRCh37 (hg19) VCF-style: chrX-135594093-T-C.
Other names: c.2189T>C, p.Phe730Ser (NM_001163280.2); short protein forms F730S.
Identifiers: ClinVar variation 2407483 (VCV002407483.4), dbSNP rs139487202, ClinGen allele CA10527861.
Genomic context (GRCh38, chrX:136,511,934, plus strand): 5'-AGGAAGATTCCAGTGAGAAGTTGTTTGACGATTCTGATGAGAGGGGGACTTTGGGTGGTT[T>C]TGGGAGTGTTGAAGAAGGGCCCCTATCCACTGGCAGCAGCTTTATTCTCAGTAGCGATGA-3'
Protein context (NP_055315.2, residues 720-740): DSDERGTLGG[Phe730Ser]GSVEEGPLST

ClinVar aggregate classification (germline): Uncertain significance. Review status: criteria provided, single submitter (1 of 4 stars). 2 submissions from 2 submitters: Uncertain significance (1). 1 of the submissions does not count toward it. Last evaluated 2021-10-26.

Conditions:
HTATSF1-related disorder. Also called: HTATSF1-related condition.

Allele frequency attached by ClinVar (database versions not stated): TOPMed 0.00035; gnomAD 0.00050; ExAC 0.00059; gnomAD exomes 0.00077; ESP Exome Variant Server 0.00095.

Submissions (2):

Ambry Genetics
Classification: Uncertain significance. Last evaluated: 2021-10-26. Review status: criteria provided, single submitter. Criteria: Ambry Variant Classification Scheme 2023. Collection method: clinical testing. Allele origin: germline.

PreventionGenetics, part of Exact Sciences
Classification: Likely benign for HTATSF1-related condition. Last evaluated: 2023-09-29. Review status: no assertion criteria provided. Collection method: clinical testing. Allele origin: germline. Not counted in ClinVar's aggregate classification.
Comment: This variant is classified as likely benign based on ACMG/AMP sequence variant interpretation guidelines (Richards et al. 2015 PMID: 25741868, with internal and published modifications).